The following is an entry in ClinVar:

ClinVar aggregate classification (germline): Likely benign. Review status: criteria provided, single submitter (1 of 4 stars). 2 submissions from 2 submitters: Likely benign (1). 1 of the submissions does not count toward it. Last evaluated 2025-10-01.

Conditions:
SCAF4-related disorder. Also called: SCAF4-related condition.

gnomAD v4.1: 121 of 1,614,080 alleles (0.0075%); highest among the groups gnomAD compares: Admixed American, 0.1%; no homozygotes.

Submissions (2):

CeGaT Center for Human Genetics Tuebingen
Classification: Likely benign. Last evaluated: 2025-10-01. Review status: criteria provided, single submitter. Criteria: CeGaT Center For Human Genetics Tuebingen Variant Classification Criteria Version 2. Collection method: clinical testing. Allele origin: germline. Affected: yes. Observed: 1 variant allele.
Comment: SCAF4: BS1

PreventionGenetics, part of Exact Sciences
Classification: Likely benign for SCAF4-related condition. Last evaluated: 2024-07-10. Review status: no assertion criteria provided. Collection method: clinical testing. Allele origin: germline. Not counted in ClinVar's aggregate classification.
Comment: This variant is classified as likely benign based on ACMG/AMP sequence variant interpretation guidelines (Richards et al. 2015 PMID: 25741868, with internal and published modifications).

NM_020706.2(SCAF4):c.3085G>A (p.Asp1029Asn)

Gene: SCAF4 (SR-related CTD associated factor 4; minus strand). Cytogenetic location: 21q22.11.
Variant type: single nucleotide variant.
Coding change: c.3085G>A on transcript NM_020706.2 (MANE Select); coding-DNA position 3085, G replaced by A.
Protein change: p.Asp1029Asn; replaces aspartic acid 1029 with asparagine.
Molecular consequence: missense variant.
Genome position (GRCh38, 1-based): chr21:31,671,758, C>T on the plus strand (G>A on the coding strand, the complement: SCAF4 is on the minus strand). VCF-style: chr21-31671758-C-T. GRCh37 (hg19) VCF-style: chr21-33044071-C-T.
Other names: c.3040G>A, p.Asp1014Asn (NM_001145444.1); c.3019G>A, p.Asp1007Asn (NM_001145445.1); short protein forms D1007N, D1014N, D1029N.
Identifiers: ClinVar variation 3352341 (VCV003352341.7).
Genomic context (GRCh38, chr21:31,671,758, plus strand): 5'-TCTCTTCCAAGTCTCTGTGCCTGTCCCGGTCAGGGCTCCTCCTTCCCCACTCTCTCCTGT[C>T]ACGGTTACTATTATCTCTATCATCATTACGGTTCCCATACCGTTCCCGGTCATTTTCCAC-3'
Protein context (NP_065757.1, residues 1019-1039): RNDDRDNSNR[Asp1029Asn]RREWGRRSPD